The following is an entry in ClinVar:

ClinVar aggregate classification (germline): Uncertain significance. Review status: criteria provided, multiple submitters, no conflicts (2 of 4 stars). 2 submissions from 2 submitters: Uncertain significance (2). Last evaluated 2023-11-13.

Allele frequency attached by ClinVar (database versions not stated): gnomAD 0.00002; gnomAD exomes 0.00004; ExAC 0.00006; TOPMed 0.00007; ESP Exome Variant Server 0.00008.
gnomAD v4.1: 49 of 1,572,542 alleles (0.0031%); highest among the groups gnomAD compares: Admixed American, 0.0075%; no homozygotes.

Submissions (2):

Labcorp Genetics (formerly Invitae), Labcorp
Classification: Uncertain significance. Last evaluated: 2023-11-13. Review status: criteria provided, single submitter. Criteria: Invitae Variant Classification Sherloc (09022015). Collection method: clinical testing. Allele origin: germline.
Comment: This sequence change falls in intron 4 of the CABP4 gene. It does not directly change the encoded amino acid sequence of the CABP4 protein. It affects a nucleotide within the consensus splice site. The frequency data for this variant in the population databases is considered unreliable, as metrics indicate poor data quality at this position in the gnomAD database. This variant has not been reported in the literature in individuals affected with CABP4-related conditions. ClinVar contains an entry for this variant (Variation ID: 1002317). Variants that disrupt the consensus splice site are a relatively common cause of aberrant splicing (PMID: 17576681, 9536098). Algorithms developed to predict the effect of sequence changes on RNA splicing suggest that this variant may disrupt the consensus splice site. In summary, the available evidence is currently insufficient to determine the role of this variant in disease. Therefore, it has been classified as a Variant of Uncertain Significance.

Blueprint Genetics
Classification: Uncertain significance. Last evaluated: 2023-09-06. Review status: criteria provided, single submitter. Criteria: ACMG Guidelines, 2015. Collection method: clinical testing. Allele origin: germline.

Literature cited by the submitters: PubMed 17576681 (cited by Labcorp Genetics (formerly Invitae), Labcorp); PubMed 9536098 (cited by Labcorp Genetics (formerly Invitae), Labcorp).

NM_145200.5(CABP4):c.651+5G>A

Gene: CABP4 (calcium binding protein 4; plus strand). Cytogenetic location: 11q13.2.
Variant type: single nucleotide variant.
Coding change: c.651+5G>A on transcript NM_145200.5 (MANE Select); 5 bases into the intron after coding-DNA position 651, G replaced by A.
Molecular consequence: intron variant.
Genome position (GRCh38, 1-based): chr11:67,457,687, G>A. VCF-style: chr11-67457687-G-A. GRCh37 (hg19) VCF-style: chr11-67225158-G-A.
Other names: c.336+5G>A (NM_001379183.1, NM_001300896.3, NM_001300895.3).
Identifiers: ClinVar variation 1002317 (VCV001002317.5), dbSNP rs377174577, ClinGen allele CA6140301.